The following is an entry in ClinVar:

ClinVar aggregate classification (germline): not provided (0 of 4 stars; one submission).

Submission:

ITMI
No classification provided. Condition: AllHighlyPenetrant. Last evaluated: 2013-09-19. Review status: no classification provided. Collection method: reference population. Allele origin: germline.
Comment: Please see associated publication for description of ethnicities

Literature cited by the submitters: PubMed 24728327.

NM_005896.4(IDH1):c.665G>T (p.Arg222Leu)

Gene: IDH1 (isocitrate dehydrogenase (NADP(+)) 1; minus strand). Cytogenetic location: 2q34.
Variant type: single nucleotide variant.
Coding change: c.665G>T on transcript NM_005896.4 (MANE Select); coding-DNA position 665, G replaced by T.
Protein change: p.Arg222Leu; replaces arginine 222 with leucine.
Molecular consequence: missense variant.
Genome position (GRCh38, 1-based): chr2:208,243,460, C>A on the plus strand (G>T on the coding strand, the complement: IDH1 is on the minus strand). VCF-style: chr2-208243460-C-A. GRCh37 (hg19) VCF-style: chr2-209108184-C-A.
Other names: c.665G>T, p.Arg222Leu (NM_001282386.1, NM_001282387.1); short protein forms R222L.
Identifiers: ClinVar variation 134521 (VCV000134521.1), dbSNP rs587778401, ClinGen allele CA160070.
Genomic context (GRCh38, chr2:208,243,460, plus strand): 5'-AAAAAGTTAAAAAAGAACTATAGTTACTTGTCATATATCTCCTGAAAGATGTCTTTAAAA[C>A]GCCCATCATATTTCTTCAGAATAGTGTTTTTGGTGCTCAGATACAAAGGCCAACCCTTAG-3'
Protein context (NP_005887.2, residues 212-232): KNTILKKYDG[Arg222Leu]FKDIFQEIYD